The following is an entry in ClinVar:

NM_002618.4(PEX13):c.719T>G (p.Phe240Cys)

Gene: PEX13 (peroxisomal biogenesis factor 13; plus strand). Cytogenetic location: 2p15.
Variant type: single nucleotide variant.
Coding change: c.719T>G on transcript NM_002618.4 (MANE Select); coding-DNA position 719, T replaced by G.
Protein change: p.Phe240Cys; replaces phenylalanine 240 with cysteine.
Molecular consequence: missense variant.
Genome position (GRCh38, 1-based): chr2:61,032,045, T>G. VCF-style: chr2-61032045-T-G. GRCh37 (hg19) VCF-style: chr2-61259180-T-G.
Other names: short protein forms F240C.
Identifiers: ClinVar variation 1961423 (VCV001961423.5), dbSNP rs1323933367, ClinGen allele CA346944609.

ClinVar aggregate classification (germline): Uncertain significance (1 of 4 stars; one submission).

Conditions:
Peroxisome biogenesis disorder 11A (Zellweger). Also called: Peroxisome biogenesis disorder 11A. Identifiers: Orphanet 912, MedGen C3554000, MONDO:0013949, OMIM 614883.

Allele frequency attached by ClinVar (database versions not stated): TOPMed below 0.00001; gnomAD 0.00001; gnomAD exomes 0.00001.
gnomAD v4.1: 12 of 1,613,738 alleles (0.00074%); highest among the groups gnomAD compares: Non-Finnish European, 0.00093%; no homozygotes.

Submission:

Labcorp Genetics (formerly Invitae), Labcorp
Classification: Uncertain significance for Peroxisome biogenesis disorder 11A (Zellweger). Last evaluated: 2022-05-10. Review status: criteria provided, single submitter. Criteria: Invitae Variant Classification Sherloc (09022015). Collection method: clinical testing. Allele origin: germline.
Comment: This sequence change replaces phenylalanine, which is neutral and non-polar, with cysteine, which is neutral and slightly polar, at codon 240 of the PEX13 protein (p.Phe240Cys). This variant is present in population databases (no rsID available, gnomAD 0.0009%). This variant has not been reported in the literature in individuals affected with PEX13-related conditions. Algorithms developed to predict the effect of missense changes on protein structure and function (SIFT, PolyPhen-2, Align-GVGD) all suggest that this variant is likely to be disruptive. In summary, the available evidence is currently insufficient to determine the role of this variant in disease. Therefore, it has been classified as a Variant of Uncertain Significance.